The following is an entry in ClinVar:

ClinVar aggregate classification (germline): Conflicting classifications of pathogenicity. Review status: criteria provided, conflicting classifications (1 of 4 stars). 11 submissions from 7 submitters: Uncertain significance (6); Likely benign (5). Last evaluated 2026-03-24.

Conditions:
TTN-related disorder. Also called: TTN-related disorders; TTN-related condition; TTN-related disease.
Dilated cardiomyopathy 1G (CMD1G). Identifiers: Orphanet 154, MedGen C1858763, MONDO:0011400, OMIM 604145.
Autosomal recessive limb-girdle muscular dystrophy type 2J (LGMDR10). Also called: Limb-girdle muscular dystrophy, type 2J; MUSCULAR DYSTROPHY, LIMB-GIRDLE, AUTOSOMAL RECESSIVE 10. Identifiers: Orphanet 140922, MedGen C1837342, MONDO:0012127, OMIM 608807.
Cardiomyopathy (CMYO). Also called: Cardiomyopathies. Identifiers: Orphanet 167848, MedGen C0878544, MONDO:0004994, HP:0001638. Inheritance: Various modes of inheritance.
Early-onset myopathy with fatal cardiomyopathy (CMYO5). Also called: CONGENITAL MYOPATHY 5 WITH CARDIOMYOPATHY; Salih Myopathy. Identifiers: Orphanet 289377, MedGen C2673677, MONDO:0012714, OMIM 611705. Disease mechanism: loss of function.
Tibial muscular dystrophy (TMD). Also called: UDD MYOPATHY; Tibial muscular dystrophy, tardive; Udd Distal Myopathy – Tibial Muscular Dystrophy. Identifiers: Orphanet 609, MedGen C1838244, MONDO:0010870, OMIM 600334.
Myopathy, myofibrillar, 9, with early respiratory failure (MFM9). Also called: Hereditary myopathy with early respiratory failure; MYOPATHY, PROXIMAL, WITH EARLY RESPIRATORY MUSCLE INVOLVEMENT; EDSTROM MYOPATHY; Myopathy, distal, with early respiratory failure, autosomal dominant. Identifiers: Orphanet 178464, Orphanet 34521, MedGen C1863599, MONDO:0011362, OMIM 603689.

Allele frequency attached by ClinVar (database versions not stated): ExAC 0.00001; gnomAD exomes 0.00002 and 0.00007; gnomAD 0.00003; TOPMed 0.00003.
gnomAD v4.1: 112 of 1,612,632 alleles (0.0069%); highest among the groups gnomAD compares: Non-Finnish European, 0.0092%; no homozygotes.

Submissions (11):

PreventionGenetics, part of Exact Sciences
Classification: Likely benign for TTN-related condition. Last evaluated: 2026-03-24. Review status: criteria provided, single submitter. Criteria: ACMG Guidelines, 2015. Collection method: clinical testing. Allele origin: germline.
Comment: This variant is classified as likely benign based on ACMG/AMP sequence variant interpretation guidelines (Richards et al. 2015 PMID: 25741868, with internal and published modifications).

Labcorp Genetics (formerly Invitae), Labcorp
Classification: Likely benign for Dilated cardiomyopathy 1G; Autosomal recessive limb-girdle muscular dystrophy type 2J. Last evaluated: 2025-06-29. Review status: criteria provided, single submitter. Criteria: Invitae Variant Classification Sherloc (09022015). Collection method: clinical testing. Allele origin: germline.

Blueprint Genetics
Classification: Likely benign. Last evaluated: 2024-07-01. Review status: criteria provided, single submitter. Criteria: ACMG Guidelines, 2015. Collection method: clinical testing. Allele origin: germline.

CeGaT Center for Human Genetics Tuebingen
Classification: Uncertain significance. Last evaluated: 2024-04-01. Review status: criteria provided, single submitter. Criteria: CeGaT Center For Human Genetics Tuebingen Variant Classification Criteria Version 2. Collection method: clinical testing. Allele origin: germline. Affected: yes. Observed: 1 variant allele.
Comment: TTN: PM2, BP4

Illumina Laboratory Services, Illumina
Classification: Uncertain significance for Myopathy, myofibrillar, 9, with early respiratory failure. Last evaluated: 2018-01-12. Review status: criteria provided, single submitter. Criteria: ICSL Variant Classification Criteria 13 December 2019. Collection method: clinical testing. Allele origin: germline.

Illumina Laboratory Services, Illumina
Classification: Uncertain significance for Early-onset myopathy with fatal cardiomyopathy. Last evaluated: 2018-01-12. Review status: criteria provided, single submitter. Criteria: ICSL Variant Classification Criteria 13 December 2019. Collection method: clinical testing. Allele origin: germline.

Illumina Laboratory Services, Illumina
Classification: Uncertain significance for Autosomal recessive limb-girdle muscular dystrophy type 2J. Last evaluated: 2018-01-12. Review status: criteria provided, single submitter. Criteria: ICSL Variant Classification Criteria 13 December 2019. Collection method: clinical testing. Allele origin: germline.

Illumina Laboratory Services, Illumina
Classification: Uncertain significance for Dilated cardiomyopathy 1G. Last evaluated: 2018-01-12. Review status: criteria provided, single submitter. Criteria: ICSL Variant Classification Criteria 13 December 2019. Collection method: clinical testing. Allele origin: germline.

Illumina Laboratory Services, Illumina
Classification: Uncertain significance for Tibial muscular dystrophy. Last evaluated: 2018-01-12. Review status: criteria provided, single submitter. Criteria: ICSL Variant Classification Criteria 13 December 2019. Collection method: clinical testing. Allele origin: germline.

CHEO Genetics Diagnostic Laboratory, Children's Hospital of Eastern Ontario
Classification: Likely benign for Cardiomyopathy. Last evaluated: 2017-03-20. Review status: criteria provided, single submitter. Criteria: ACMG Guidelines, 2015. Collection method: clinical testing. Allele origin: germline. Study: Canadian Open Genetics Repository.

Laboratory for Molecular Medicine, Mass General Brigham Personalized Medicine
Classification: Likely benign. Last evaluated: 2012-03-19. Review status: criteria provided, single submitter. Criteria: LMM Criteria. Collection method: clinical testing. Allele origin: germline. Observed: 1 variant allele.
Comment: Glu4377Glu in exon 54 of TTN: This variant is not expected to have clinical sign ificance because it does not alter an amino acid residue and is not located with in the splice consensus sequence. It has been identified in 1/6724 European Amer ican chromosomes from a broad population by the NHLBI Exome Sequencing Project. Glu4377Glu in exon 54 of TTN (allele frequen cy = 1/6724) **

NM_001267550.2(TTN):c.16863G>A (p.Glu5621=)

Genes: TTN (titin; minus strand), LOC126806431 (CDK7 strongly-dependent group 2 enhancer GRCh37_chr2:179595719-179596918; plus strand). Cytogenetic location: 2q31.2.
Variant type: single nucleotide variant.
Coding change: c.16863G>A on transcript NM_001267550.2 (MANE Select); coding-DNA position 16863, G replaced by A.
Protein change: p.Glu5621=; no amino-acid change (glutamic acid 5621 retained).
Molecular consequence: synonymous variant. On other transcripts: intron variant (3).
Genome position (GRCh38, 1-based): chr2:178,732,106, C>T on the plus strand (G>A on the coding strand, the complement: TTN is on the minus strand). VCF-style: chr2-178732106-C-T. GRCh37 (hg19) VCF-style: chr2-179596833-C-T.
Other names: c.13282+5976G>A (NM_003319.4); c.13858+5976G>A (NM_133437.4); c.13657+5976G>A (NM_133432.3); c.15912G>A, p.Glu5304= (NM_001256850.1); c.13131G>A, p.Glu4377= (NM_133378.4).
Identifiers: ClinVar variation 178254 (VCV000178254.41), dbSNP rs727504441, ClinGen allele CA181927.
Genomic context (GRCh38, chr2:178,732,106, plus strand): 5'-GAGGCAAAGTGAACACAAACCTTTGACTATTACAATGCTACTGCAGTGGTCACTGCCAGC[C>T]TCATTTTGGGCCTCACACATATATTCACCACTGTCTTCGATGCCAACATCTGTCAGTCTT-3'
Protein context (NP_001254479.2, residues 5611-5631): SGEYMCEAQN[Glu5621=]AGSDHCSSIV